The following is an entry in ClinVar:

NM_138927.4(SON):c.5237C>T (p.Thr1746Ile)

Gene: SON (SON DNA and RNA binding protein; plus strand). Cytogenetic location: 21q22.11.
Variant type: single nucleotide variant.
Coding change: c.5237C>T on transcript NM_138927.4 (MANE Select); coding-DNA position 5237, C replaced by T.
Protein change: p.Thr1746Ile; replaces threonine 1746 with isoleucine.
Molecular consequence: missense variant. On other transcripts: non-coding transcript variant (1), intron variant (1).
Genome position (GRCh38, 1-based): chr21:33,554,468, C>T. VCF-style: chr21-33554468-C-T. GRCh37 (hg19) VCF-style: chr21-34926774-C-T.
Other names: c.5237C>T (NM_138927.2); c.5237C>T, p.Thr1746Ile (NM_001291411.2, NM_001412133.1, NM_032195.3 and 2 more transcripts); c.245-2688C>T (NM_001291412.3); short protein forms T1746I.
Identifiers: ClinVar variation 2017067 (VCV002017067.5), dbSNP rs148457156, ClinGen allele CA410164355.

ClinVar aggregate classification (germline): Uncertain significance. Review status: criteria provided, multiple submitters, no conflicts (2 of 4 stars). 2 submissions from 2 submitters: Uncertain significance (2). Last evaluated 2026-08-24.

Conditions:
SON-related disorder. Also called: SON-related condition.

Submissions (2):

PreventionGenetics, part of Exact Sciences
Classification: Uncertain significance for SON-related condition. Last evaluated: 2026-08-24. Review status: criteria provided, single submitter. Criteria: ACMG Guidelines, 2015. Collection method: clinical testing. Allele origin: germline.
Comment: The SON c.5237C>T variant is predicted to result in the amino acid substitution p.Thr1746Ile. To our knowledge, this variant has not been reported in the literature or in a large population database (gnomAD), indicating this variant is rare. At this time, the clinical significance of this variant is uncertain due to the absence of conclusive functional and genetic evidence.

Labcorp Genetics (formerly Invitae), Labcorp
Classification: Uncertain significance. Last evaluated: 2022-07-26. Review status: criteria provided, single submitter. Criteria: Invitae Variant Classification Sherloc (09022015). Collection method: clinical testing. Allele origin: germline.
Comment: In summary, the available evidence is currently insufficient to determine the role of this variant in disease. Therefore, it has been classified as a Variant of Uncertain Significance. Algorithms developed to predict the effect of missense changes on protein structure and function are either unavailable or do not agree on the potential impact of this missense change (SIFT: "Deleterious"; PolyPhen-2: "Probably Damaging"; Align-GVGD: "Class C0"). This variant has not been reported in the literature in individuals affected with SON-related conditions. This variant is not present in population databases (gnomAD no frequency). This sequence change replaces threonine, which is neutral and polar, with isoleucine, which is neutral and non-polar, at codon 1746 of the SON protein (p.Thr1746Ile).